The following is an entry in ClinVar:

NM_001371623.1(TCOF1):c.1340C>G (p.Pro447Arg)

Gene: TCOF1 (treacle ribosome biogenesis factor 1; plus strand). Cytogenetic location: 5q32.
Variant type: single nucleotide variant.
Coding change: c.1340C>G on transcript NM_001371623.1 (MANE Select); coding-DNA position 1340, C replaced by G.
Protein change: p.Pro447Arg; replaces proline 447 with arginine.
Molecular consequence: missense variant.
Genome position (GRCh38, 1-based): chr5:150,375,015, C>G. VCF-style: chr5-150375015-C-G. GRCh37 (hg19) VCF-style: chr5-149754578-C-G.
Other names: p.Pro447Arg; c.1109C>G, p.Pro370Arg (NM_000356.4, NM_001135245.2); c.1340C>G, p.Pro447Arg (NM_001008657.3, NM_001135243.2, NM_001135244.2 and 1 more transcripts); short protein forms P370R, P447R.
Identifiers: ClinVar variation 1809595 (VCV001809595.2), dbSNP rs2533423202, ClinGen allele CA361745408.
Genomic context (GRCh38, chr5:150,375,015, plus strand): 5'-CGAAGCCTTCAGGGAAGGCCCCCCAGGTCAGAGCCGCCTCGGCCCCTGCCAAGGAGTCCC[C>G]CAGGAAAGGGGCTGCCCCAGCACCTCCTAGGAAAACAGGGCCTGCAGCCGCCCAGGTCCA-3'
Protein context (NP_001358552.1, residues 437-457): RAASAPAKES[Pro447Arg]RKGAAPAPPR

ClinVar aggregate classification (germline): Uncertain significance (1 of 4 stars; one submission).

Conditions:
Treacher Collins syndrome 1 (TCS1). Also called: TCOF1-Related Treacher Collins Syndrome. Identifiers: Orphanet 861, MedGen CN315775, MONDO:0007944, OMIM 154500.

Submission:

Foundation for Research in Genetics and Endocrinology, FRIGE's Institute of Human Genetics
Classification: Uncertain significance for Treacher Collins syndrome 1. Last evaluated: 2022-11-25. Review status: criteria provided, single submitter. Criteria: ACMG Guidelines, 2015. Collection method: clinical testing. Allele origin: germline. Inheritance: Autosomal dominant inheritance. Affected: yes. Observed: 1 heterozygote.
Comment: A heterozygous missense variation in exon 10 of the TCOF1 gene that results in the amino acid substitution of Arginine for Proline at codon 447 (p.Pro447Arg) was detected. This variant has not been reported in the 1000 genomes and gnomAD databases. The in silico predictions of the variant are probably damaging by PolyPhen-2 (HumDiv) and damaging by SIFT. The reference codon is conserved across species. In summary, the variant meets our criteria to be classified as variant of uncertain significance.